The following is an entry in ClinVar:

NM_001365951.3(KIF1B):c.2758A>G (p.Ile920Val)

Genes: KIF1B (kinesin family member 1B; plus strand), LOC126805614 (BRD4-independent group 4 enhancer GRCh37_chr1:10385546-10386745; plus strand). Cytogenetic location: 1p36.22.
Variant type: single nucleotide variant.
Coding change: c.2758A>G on transcript NM_001365951.3 (MANE Select); coding-DNA position 2758, A replaced by G.
Protein change: p.Ile920Val; replaces isoleucine 920 with valine.
Molecular consequence: missense variant.
Genome position (GRCh38, 1-based): chr1:10,326,193, A>G. VCF-style: chr1-10326193-A-G. GRCh37 (hg19) VCF-style: chr1-10386251-A-G.
Other names: c.2758A>G, p.Ile920Val (NM_001365952.1); c.2620A>G, p.Ile874Val (NM_015074.3); short protein forms I874V, I920V.
Identifiers: ClinVar variation 3226410 (VCV003226410.2), dbSNP rs1407945783, ClinGen allele CA338337035.

ClinVar aggregate classification (germline): Uncertain significance. Review status: criteria provided, multiple submitters, no conflicts (2 of 4 stars). 2 submissions from 2 submitters: Uncertain significance (2). Last evaluated 2025-05-23.

Conditions:
Charcot-Marie-Tooth disease type 2. Also called: Charcot-Marie-Tooth type 2. Identifiers: Orphanet 64746, MedGen C0270914, MONDO:0018993.

Allele frequency attached by ClinVar (database versions not stated): TOPMed below 0.00001.

Submissions (2):

Labcorp Genetics (formerly Invitae), Labcorp
Classification: Uncertain significance for Charcot-Marie-Tooth disease type 2. Last evaluated: 2025-05-23. Review status: criteria provided, single submitter. Criteria: Invitae Variant Classification Sherloc (09022015). Collection method: clinical testing. Allele origin: germline.
Comment: This sequence change replaces isoleucine, which is neutral and non-polar, with valine, which is neutral and non-polar, at codon 874 of the KIF1B protein (p.Ile874Val). This variant is not present in population databases (gnomAD no frequency). This variant has not been reported in the literature in individuals affected with KIF1B-related conditions. ClinVar contains an entry for this variant (Variation ID: 3226410). An algorithm developed to predict the effect of missense changes on protein structure and function (PolyPhen-2) suggests that this variant is likely to be disruptive. In summary, the available evidence is currently insufficient to determine the role of this variant in disease. Therefore, it has been classified as a Variant of Uncertain Significance.

Ambry Genetics
Classification: Uncertain significance. Last evaluated: 2024-02-06. Review status: criteria provided, single submitter. Criteria: Ambry Variant Classification Scheme 2023. Collection method: clinical testing. Allele origin: germline.
Comment: The p.I874V variant (also known as c.2620A>G), located in coding exon 24 of the KIF1B gene, results from an A to G substitution at nucleotide position 2620. The isoleucine at codon 874 is replaced by valine, an amino acid with highly similar properties. This amino acid position is highly conserved in available vertebrate species. In addition, this alteration is predicted to be tolerated by in silico analysis. The evidence for this gene-disease relationship is limited; therefore, the clinical significance of this alteration is unclear.